The following is an entry in ClinVar:

ClinVar aggregate classification (germline): Benign. Review status: criteria provided, single submitter (1 of 4 stars). 2 submissions from 1 submitter: Benign (2). Last evaluated 2018-01-12.

Conditions:
Charcot-Marie-Tooth disease type 4C (CMT4C). Also called: CHARCOT-MARIE-TOOTH DISEASE, DEMYELINATING, AUTOSOMAL RECESSIVE, TYPE 4C; CMT 4C; Charcot-Marie-Tooth Neuropathy Type 4C (CMT4C); CHARCOT-MARIE-TOOTH DISEASE, DEMYELINATING, TYPE 4C; SH3TC2-Related Hereditary Motor and Sensory Neuropathy. Identifiers: Orphanet 99949, MedGen C1866636, MONDO:0011113, OMIM 601596.
Susceptibility to mononeuropathy of the median nerve, mild. Also called: CARPAL TUNNEL SYNDROME, SUSCEPTIBILITY TO. Identifiers: MedGen C3150596, MONDO:0013237, OMIM 613353.

Allele frequency attached by ClinVar (database versions not stated): gnomAD 0.03206 and 0.03469; TOPMed 0.04738; 1000 Genomes Project 0.06969; 1000 Genomes Project 30x 0.06996.
gnomAD v4.1: 5,292 of 152,310 alleles (3.5%); highest among the groups gnomAD compares: Admixed American, 17%; 343 homozygotes.

Submissions (2):

Illumina Laboratory Services, Illumina
Classification: Benign for Susceptibility to mononeuropathy of the median nerve, mild. Last evaluated: 2018-01-12. Review status: criteria provided, single submitter. Criteria: ICSL Variant Classification Criteria 13 December 2019. Collection method: clinical testing. Allele origin: germline.
Comment: This variant was observed in the ICSL laboratory as part of a predisposition screen in an ostensibly healthy population. It had not been previously curated by ICSL or reported in the Human Gene Mutation Database (HGMD: prior to June 1st, 2018), and was therefore a candidate for classification through an automated scoring system. Utilizing variant allele frequency, disease prevalence and penetrance estimates, and inheritance mode, an automated score was calculated to assess if this variant is too frequent to cause the disease. Based on the score and internal cut-off values, a variant classified as benign is not then subjected to further curation. The score for this variant resulted in a classification of benign for this disease.

Illumina Laboratory Services, Illumina
Classification: Benign for Charcot-Marie-Tooth disease type 4C. Last evaluated: 2018-01-12. Review status: criteria provided, single submitter. Criteria: ICSL Variant Classification Criteria 13 December 2019. Collection method: clinical testing. Allele origin: germline.
Comment: the same text as in the submission from Illumina Laboratory Services, Illumina above.

NM_024577.4(SH3TC2):c.*10485G>A

Gene: SH3TC2 (SH3 domain and tetratricopeptide repeats 2; minus strand). Cytogenetic location: 5q32.
Variant type: single nucleotide variant.
Coding change: c.*10485G>A on transcript NM_024577.4 (MANE Select); 10485 bases downstream of the stop codon, G replaced by A.
Molecular consequence: 3 prime UTR variant.
Genome position (GRCh38, 1-based): chr5:148,994,226, C>T on the plus strand (G>A on the coding strand, the complement: SH3TC2 is on the minus strand). VCF-style: chr5-148994226-C-T. GRCh37 (hg19) VCF-style: chr5-148373789-C-T.
Identifiers: ClinVar variation 351710 (VCV000351710.5), dbSNP rs76931184, ClinGen allele CA10623361.